The following is an entry in ClinVar:

ClinVar aggregate classification (germline): Uncertain significance (1 of 4 stars; one submission).

Conditions:
Infantile-onset X-linked spinal muscular atrophy. Also called: SPINAL MUSCULAR ATROPHY, X-LINKED LETHAL INFANTILE; ARTHROGRYPOSIS, X-LINKED, TYPE I; AMC, DISTAL, X-LINKED; Spinal muscular atrophy, X-linked 2; Spinal Muscular Atrophy, X-Linked Infantile. Identifiers: Orphanet 1145, MedGen C1844934, MONDO:0010532, OMIM 301830.

Allele frequency attached by ClinVar (database versions not stated): TOPMed below 0.00001; ExAC 0.00001; gnomAD 0.00001; gnomAD exomes 0.00001; 1000 Genomes Project 0.00026; 1000 Genomes Project 30x 0.00042.
gnomAD v4.1: 1 of 1,209,539 alleles (0.000083%); highest among the groups gnomAD compares: African/African-American, 0.0018%; no homozygotes.

Submission:

Labcorp Genetics (formerly Invitae), Labcorp
Classification: Uncertain significance for Infantile-onset X-linked spinal muscular atrophy. Last evaluated: 2022-07-18. Review status: criteria provided, single submitter. Criteria: Invitae Variant Classification Sherloc (09022015). Collection method: clinical testing. Allele origin: germline.
Comment: In summary, the available evidence is currently insufficient to determine the role of this variant in disease. Therefore, it has been classified as a Variant of Uncertain Significance. Algorithms developed to predict the effect of missense changes on protein structure and function are either unavailable or do not agree on the potential impact of this missense change (SIFT: "Deleterious"; PolyPhen-2: "Benign"; Align-GVGD: "Class C0"). ClinVar contains an entry for this variant (Variation ID: 1013720). This variant has not been reported in the literature in individuals affected with UBA1-related conditions. This variant is present in population databases (rs782649232, gnomAD 0.008%). This sequence change replaces methionine, which is neutral and non-polar, with valine, which is neutral and non-polar, at codon 859 of the UBA1 protein (p.Met859Val).

NM_003334.4(UBA1):c.2575A>G (p.Met859Val)

Gene: UBA1 (ubiquitin like modifier activating enzyme 1; plus strand). Cytogenetic location: Xp11.3.
Variant type: single nucleotide variant.
Coding change: c.2575A>G on transcript NM_003334.4 (MANE Select); coding-DNA position 2575, A replaced by G.
Protein change: p.Met859Val; replaces methionine 859 with valine.
Molecular consequence: missense variant.
Genome position (GRCh38, 1-based): chrX:47,212,792, A>G. VCF-style: chrX-47212792-A-G. GRCh37 (hg19) VCF-style: chrX-47072191-A-G.
Other names: c.2575A>G, p.Met859Val (NM_153280.3); short protein forms M859V.
Identifiers: ClinVar variation 1013720 (VCV001013720.9), dbSNP rs782649232, ClinGen allele CA10396154.
Genomic context (GRCh38, chrX:47,212,792, plus strand): 5'-CTCTCCCCACTGCCTTCACACCCTCCCCACTCATAACAGGATGATGACAGCAACTTTCAT[A>G]TGGATTTCATCGTGGCTGCATCCAACCTCCGGGCAGAAAACTATGACATTCCTTCTGCAG-3'
Protein context (NP_003325.2, residues 849-869): FEKDDDSNFH[Met859Val]DFIVAASNLR